The following is an entry in ClinVar:

ClinVar aggregate classification (germline): Uncertain significance. Review status: criteria provided, multiple submitters, no conflicts (2 of 4 stars). 3 submissions from 3 submitters: Uncertain significance (3). Last evaluated 2025-08-13.

Conditions:
FAT1-related disorder. Also called: FAT1-related condition.
Inborn genetic diseases. Identifiers: MedGen C0950123, MeSH D030342.

Allele frequency attached by ClinVar (database versions not stated): ExAC 0.00001; gnomAD 0.00001; gnomAD exomes 0.00001.
gnomAD v4.1: 14 of 1,613,898 alleles (0.00087%); highest among the groups gnomAD compares: Non-Finnish European, 0.0011%; no homozygotes.

Submissions (3):

Ambry Genetics
Classification: Uncertain significance for Inborn genetic diseases. Last evaluated: 2025-08-13. Review status: criteria provided, single submitter. Criteria: Ambry Variant Classification Scheme 2023. Collection method: clinical testing. Allele origin: germline.

Labcorp Genetics (formerly Invitae), Labcorp
Classification: Uncertain significance. Last evaluated: 2024-08-14. Review status: criteria provided, single submitter. Criteria: Invitae Variant Classification Sherloc (09022015). Collection method: clinical testing. Allele origin: germline.
Comment: This sequence change replaces asparagine, which is neutral and polar, with histidine, which is basic and polar, at codon 749 of the FAT1 protein (p.Asn749His). This variant is present in population databases (rs774753400, gnomAD 0.0009%). This variant has not been reported in the literature in individuals affected with FAT1-related conditions. ClinVar contains an entry for this variant (Variation ID: 1899959). Invitae Evidence Modeling of protein sequence and biophysical properties (such as structural, functional, and spatial information, amino acid conservation, physicochemical variation, residue mobility, and thermodynamic stability) indicates that this missense variant is expected to disrupt FAT1 protein function with a positive predictive value of 80%. In summary, the available evidence is currently insufficient to determine the role of this variant in disease. Therefore, it has been classified as a Variant of Uncertain Significance.

PreventionGenetics, part of Exact Sciences
Classification: Uncertain significance for FAT1-related condition. Last evaluated: 2022-12-19. Review status: criteria provided, single submitter. Criteria: ACMG Guidelines, 2015. Collection method: clinical testing. Allele origin: germline.
Comment: The FAT1 c.2245A>C variant is predicted to result in the amino acid substitution p.Asn749His. To our knowledge, this variant has not been reported in the literature. This variant is reported in 0.00089% of alleles in individuals of European (Non-Finnish) descent in gnomAD. At this time, the clinical significance of this variant is uncertain due to the absence of conclusive functional and genetic evidence.

NM_005245.4(FAT1):c.2245A>C (p.Asn749His)

Gene: FAT1 (FAT atypical cadherin 1; minus strand). Cytogenetic location: 4q35.2.
Variant type: single nucleotide variant.
Coding change: c.2245A>C on transcript NM_005245.4 (MANE Select); coding-DNA position 2245, A replaced by C.
Protein change: p.Asn749His; replaces asparagine 749 with histidine.
Molecular consequence: missense variant.
Genome position (GRCh38, 1-based): chr4:186,707,583, T>G on the plus strand (A>C on the coding strand, the complement: FAT1 is on the minus strand). VCF-style: chr4-186707583-T-G. GRCh37 (hg19) VCF-style: chr4-187628737-T-G.
Other names: c.2245A>C (NM_005245.3); short protein forms N749H.
Identifiers: ClinVar variation 1899959 (VCV001899959.7), dbSNP rs774753400, ClinGen allele CA3167302.